The following is an entry in ClinVar:

NM_030665.4(RAI1):c.182_185del (p.Gly61fs)

Gene: RAI1 (retinoic acid induced 1; plus strand). Cytogenetic location: 17p11.2.
Variant type: Deletion.
Coding change: c.182_185del on transcript NM_030665.4 (MANE Select); coding-DNA positions 182 to 185, 4 bases deleted (GTGG; older notation c.182_185delGTGG).
Protein change: p.Gly61fs; shifts the reading frame from glycine 61.
Molecular consequence: frameshift variant.
Genome position (GRCh38, 1-based): chr17:17,793,130-17,793,133, GTGG deleted; deleting any 4 consecutive bases within chr17:17,793,128-17,793,133 gives the same sequence; the c. name uses the placement nearest the transcript's 3' end. VCF-style (leftmost placement, unchanged base first): chr17-17793127-AGGGT-A. GRCh37 (hg19) VCF-style: chr17-17696441-AGGGT-A.
Other names: short protein forms G61fs.
Identifiers: ClinVar variation 817187 (VCV000817187.1), dbSNP rs1598086801, ClinGen allele CA915949613.

ClinVar aggregate classification (germline): Pathogenic (1 of 4 stars; one submission).

Submission:

GeneDx
Classification: Pathogenic. Last evaluated: 2018-08-16. Review status: criteria provided, single submitter. Criteria: GeneDx Variant Classification (06012015). Collection method: clinical testing. Allele origin: germline. Affected: yes.
Comment: The c.182_185delGTGG pathogenic variant in the RAI1 gene causes a frameshift starting with codon Glycine 61, changes this amino acid to an Alanine residue and creates a premature Stop codon at position 84 of the new reading frame, denoted p.Gly61AlafsX84. This pathogenic variant is predicted to cause loss of normal protein function either through protein truncation or nonsense-mediated mRNA decay. The c.182_185delGTGG variant is not observed in large population cohorts (Lek et al., 2016).